The following is an entry in ClinVar:

NM_001384474.1(LOXHD1):c.5918A>G (p.Lys1973Arg)

Gene: LOXHD1 (lipoxygenase homology PLAT domains 1; minus strand). Cytogenetic location: 18q21.1.
Variant type: single nucleotide variant.
Coding change: c.5918A>G on transcript NM_001384474.1 (MANE Select); coding-DNA position 5918, A replaced by G.
Protein change: p.Lys1973Arg; replaces lysine 1973 with arginine.
Molecular consequence: missense variant.
Genome position (GRCh38, 1-based): chr18:46,489,103, T>C on the plus strand (A>G on the coding strand, the complement: LOXHD1 is on the minus strand). VCF-style: chr18-46489103-T-C. GRCh37 (hg19) VCF-style: chr18-44069066-T-C.
Other names: c.635A>G, p.Lys212Arg (NM_001145473.3, NM_001173129.2); c.2585A>G, p.Lys862Arg (NM_001145472.3); c.2297A>G, p.Lys766Arg (NM_001308013.2); c.5732A>G, p.Lys1911Arg (NM_144612.7); c.5732A>G (NM_144612.6); short protein forms K1973R, K766R, K862R, K1911R, K212R.
Identifiers: ClinVar variation 2198885 (VCV002198885.3), dbSNP rs530420358, ClinGen allele CA8952114.

ClinVar aggregate classification (germline): Uncertain significance. Review status: criteria provided, multiple submitters, no conflicts (2 of 4 stars). 2 submissions from 2 submitters: Uncertain significance (2). Last evaluated 2023-06-23.

Conditions:
Inborn genetic diseases. Identifiers: MedGen C0950123, MeSH D030342.

Allele frequency attached by ClinVar (database versions not stated): TOPMed below 0.00001; gnomAD 0.00001; ExAC 0.00005; 1000 Genomes Project 30x 0.00016; 1000 Genomes Project 0.00020.
gnomAD v4.1: 12 of 1,551,702 alleles (0.00077%); highest among the groups gnomAD compares: East Asian, 0.024%; no homozygotes.

Submissions (2):

Ambry Genetics
Classification: Uncertain significance for Inborn genetic diseases. Last evaluated: 2023-06-23. Review status: criteria provided, single submitter. Criteria: Ambry Variant Classification Scheme 2023. Collection method: clinical testing. Allele origin: germline.

Labcorp Genetics (formerly Invitae), Labcorp
Classification: Uncertain significance. Last evaluated: 2022-05-22. Review status: criteria provided, single submitter. Criteria: Invitae Variant Classification Sherloc (09022015). Collection method: clinical testing. Allele origin: germline.
Comment: This sequence change replaces lysine, which is basic and polar, with arginine, which is basic and polar, at codon 1911 of the LOXHD1 protein (p.Lys1911Arg). This variant is present in population databases (rs530420358, gnomAD 0.04%). This variant has not been reported in the literature in individuals affected with LOXHD1-related conditions. Algorithms developed to predict the effect of missense changes on protein structure and function output the following: SIFT: "Deleterious"; PolyPhen-2: "Benign"; Align-GVGD: "Class C0". The arginine amino acid residue is found in multiple mammalian species, which suggests that this missense change does not adversely affect protein function. In summary, the available evidence is currently insufficient to determine the role of this variant in disease. Therefore, it has been classified as a Variant of Uncertain Significance.